The following is an entry in ClinVar:

NM_001123385.2(BCOR):c.1118C>T (p.Ser373Leu)

Genes: BCOR (BCL6 corepressor; minus strand), LOC126863239 (MED14-independent group 3 enhancer GRCh37_chrX:39932994-39934193; plus strand). Cytogenetic location: Xp11.4.
Variant type: single nucleotide variant.
Coding change: c.1118C>T on transcript NM_001123385.2 (MANE Select); coding-DNA position 1118, C replaced by T.
Protein change: p.Ser373Leu; replaces serine 373 with leucine.
Molecular consequence: missense variant.
Genome position (GRCh38, 1-based): chrX:40,074,228, G>A on the plus strand (C>T on the coding strand, the complement: BCOR is on the minus strand). VCF-style: chrX-40074228-G-A. GRCh37 (hg19) VCF-style: chrX-39933481-G-A.
Other names: c.1118C>T, p.Ser373Leu (NM_001123383.2, NM_001123384.2, NM_001437510.1 and 4 more transcripts); short protein forms S373L.
Identifiers: ClinVar variation 4982845 (VCV004982845.1).

ClinVar aggregate classification (germline): Uncertain significance (1 of 4 stars; one submission).

Conditions:
BCOR-related disorder. Also called: BCOR-related disorders; BCOR-related condition.

gnomAD v4.1: 3 of 1,210,987 alleles (0.00025%); highest among the groups gnomAD compares: African/African-American, 0.0052%; no homozygotes.

Submission:

PreventionGenetics, part of Exact Sciences
Classification: Uncertain significance for BCOR-related condition. Last evaluated: 2025-07-09. Review status: criteria provided, single submitter. Criteria: ACMG Guidelines, 2015. Collection method: clinical testing. Allele origin: germline.
Comment: The BCOR c.1118C>T variant is predicted to result in the amino acid substitution p.Ser373Leu. To our knowledge, this variant has not been reported in the literature. This variant is reported in 0.0076% of alleles in individuals of African descent in gnomAD. At this time, the clinical significance of this variant is uncertain due to the absence of conclusive functional and genetic evidence.